The following is an entry in ClinVar:

ClinVar aggregate classification (germline): Uncertain significance. Review status: criteria provided, multiple submitters, no conflicts (2 of 4 stars). 2 submissions from 2 submitters: Uncertain significance (2). Last evaluated 2025-10-08.

Conditions:
Joubert syndrome 25 (JBTS25). Identifiers: Orphanet 475, MedGen C4084842, MONDO:0014770, OMIM 616781.

Allele frequency attached by ClinVar (database versions not stated): gnomAD exomes 0.00001; TOPMed 0.00001.

Submissions (2):

Labcorp Genetics (formerly Invitae), Labcorp
Classification: Uncertain significance for Joubert syndrome 25. Last evaluated: 2025-10-08. Review status: criteria provided, single submitter. Criteria: Invitae Variant Classification Sherloc (09022015). Collection method: clinical testing. Allele origin: germline.
Comment: This sequence change replaces alanine, which is neutral and non-polar, with valine, which is neutral and non-polar, at codon 499 of the CEP104 protein (p.Ala499Val). This variant is present in population databases (no rsID available, gnomAD 0.0009%). This variant has not been reported in the literature in individuals affected with CEP104-related conditions. ClinVar contains an entry for this variant (Variation ID: 2062506). An algorithm developed to predict the effect of missense changes on protein structure and function (PolyPhen-2) suggests that this variant is likely to be tolerated. In summary, the available evidence is currently insufficient to determine the role of this variant in disease. Therefore, it has been classified as a Variant of Uncertain Significance.

Blueprint Genetics
Classification: Uncertain significance. Last evaluated: 2022-02-22. Review status: criteria provided, single submitter. Criteria: ACMG Guidelines, 2015. Collection method: clinical testing. Allele origin: germline.

NM_014704.4(CEP104):c.1496C>T (p.Ala499Val)

Gene: CEP104 (centrosomal protein 104; minus strand). Cytogenetic location: 1p36.32.
Variant type: single nucleotide variant.
Coding change: c.1496C>T on transcript NM_014704.4 (MANE Select); coding-DNA position 1496, C replaced by T.
Protein change: p.Ala499Val; replaces alanine 499 with valine.
Molecular consequence: missense variant.
Genome position (GRCh38, 1-based): chr1:3,834,025, G>A on the plus strand (C>T on the coding strand, the complement: CEP104 is on the minus strand). VCF-style: chr1-3834025-G-A. GRCh37 (hg19) VCF-style: chr1-3750589-G-A.
Other names: short protein forms A499V.
Identifiers: ClinVar variation 2062506 (VCV002062506.5), dbSNP rs911223914, ClinGen allele CA17082268.